The following is an entry in ClinVar:

ClinVar aggregate classification (germline): Likely pathogenic (1 of 4 stars; one submission).

Conditions:
Mucopolysaccharidosis, MPS-II (MPS2). Also called: Hunter Syndrome; IDURONATE 2-SULFATASE DEFICIENCY; Mucopolysaccharidosis Type II; Mucopolysaccharidosis type 2; Attenuated MPS (subtype; formerly known as mild MPS II); Severe MPS II. Identifiers: Orphanet 580, Orphanet 79388, MedGen C0026705, MONDO:0010674, OMIM 309900.

Submissions (2):

Laboratory of Diagnosis and Therapy of Lysosomal Disorders, University of Padova
Classification: Likely pathogenic for Mucopolysaccharidosis, MPS-II. Last evaluated: 2024-06-07. Review status: criteria provided, single submitter. Criteria: ACMG Guidelines, 2015. Collection method: literature only. Allele origin: germline. Affected: yes. Observed: 3 variant alleles.
Comment: Null variant (PVS1_Strong), Absent from controls (or at low frequency) in gnomAD database (PM2_Moderate), Patient’s phenotype or family history highly specific for the disease (PP4_Moderate)

Classification method: ACMG Guidelines [PMID:25741868] with modifications

Dr. Peter K. Rogan Lab, Western University
No classification provided (evidence only). Condition: Thyroid cancer, nonmedullary, 1. Review status: no classification provided. Collection method: in vitro. Allele origin: not applicable. Functional consequence: retained intron. Not counted in ClinVar's aggregate classification.

Literature cited by the submitters: PubMed 15614569 (cited by Laboratory of Diagnosis and Therapy of Lysosomal Disorders, University of Padova); PubMed 31877959 (cited by Laboratory of Diagnosis and Therapy of Lysosomal Disorders, University of Padova); PubMed 9875019 (cited by Laboratory of Diagnosis and Therapy of Lysosomal Disorders, University of Padova).

NM_000202.8(IDS):c.708+2T>G

Genes: IDS (iduronate 2-sulfatase; minus strand), LOC106050102 (IDS recombination region; plus strand). Cytogenetic location: Xq28.
Variant type: single nucleotide variant.
Coding change: c.708+2T>G on transcript NM_000202.8 (MANE Select); the canonical splice donor site of the intron after coding-DNA position 708, T replaced by G.
Molecular consequence: splice donor variant.
Genome position (GRCh38, 1-based): chrX:149,498,105, A>C on the plus strand (T>G on the coding strand, the complement: IDS is on the minus strand). VCF-style: chrX-149498105-A-C. GRCh37 (hg19) VCF-style: chrX-148579636-A-C.
Other names: NC_000023.10:g.148579636A>C; c.438+2T>G (NM_001166550.4); c.708+2T>G (NM_006123.5).
Identifiers: ClinVar variation 3255814 (VCV003255814.3).